The following is an entry in ClinVar:

ClinVar aggregate classification (germline): Pathogenic (1 of 4 stars; one submission).

Conditions:
Meckel-Gruber syndrome. Also called: DYSENCEPHALIA SPLANCHNOCYSTICA; GRUBER SYNDROME; Dysencephalia splachnocystica. Identifiers: Orphanet 564, MedGen C0265215, MONDO:0018921.
Joubert syndrome. Also called: CEREBELLOPARENCHYMAL DISORDER IV; JOUBERT-BOLTSHAUSER SYNDROME; Familial aplasia of the vermis. Identifiers: Orphanet 475, MedGen C5979921, MONDO:0018772.

Submission:

Labcorp Genetics (formerly Invitae), Labcorp
Classification: Pathogenic for Joubert syndrome; Meckel-Gruber syndrome. Last evaluated: 2019-04-18. Review status: criteria provided, single submitter. Criteria: Invitae Variant Classification Sherloc (09022015). Collection method: clinical testing. Allele origin: germline.
Comment: For these reasons, this variant has been classified as Pathogenic. Loss-of-function variants in TCTN2 are known to be pathogenic (PMID: 21565611). This variant has not been reported in the literature in individuals with TCTN2-related conditions. This variant is an out-of-frame deletion of the genomic region encompassing exon 14 of the TCTN2 gene. This is expected to create a premature translational stop signal and result in an absent or disrupted protein product.

Literature cited by the submitters: PubMed 21565611.

NC_000012.12:g.(?_123699684)_(123699830_?)del

Gene: TCTN2 (tectonic family member 2; plus strand). Cytogenetic location: 12q24.31.
Variant type: Deletion.
Identifiers: ClinVar variation 832383 (VCV000832383.7).